The following is an entry in ClinVar:

NM_014795.4(ZEB2):c.3243C>A (p.Cys1081Ter)

Gene: ZEB2 (zinc finger E-box binding homeobox 2; minus strand). Cytogenetic location: 2q22.3.
Variant type: single nucleotide variant.
Coding change: c.3243C>A on transcript NM_014795.4 (MANE Select); coding-DNA position 3243, C replaced by A.
Protein change: p.Cys1081Ter; replaces cysteine 1081 with a stop codon.
Molecular consequence: nonsense.
Genome position (GRCh38, 1-based): chr2:144,389,853, G>T on the plus strand (C>A on the coding strand, the complement: ZEB2 is on the minus strand). VCF-style: chr2-144389853-G-T. GRCh37 (hg19) VCF-style: chr2-145147420-G-T.
Other names: c.3171C>A, p.Cys1057Ter (NM_001171653.2); short protein forms C1081*, C1057*.
Identifiers: ClinVar variation 620299 (VCV000620299.1), dbSNP rs1560602156, ClinGen allele CA348700045.

ClinVar aggregate classification (germline): Pathogenic (1 of 4 stars; one submission).

Submission:

GeneDx
Classification: Pathogenic. Last evaluated: 2018-08-06. Review status: criteria provided, single submitter. Criteria: GeneDx Variant Classification (06012015). Collection method: clinical testing. Allele origin: germline. Affected: yes.
Comment: The C1081X variant in the ZEB2 gene has not been reported previously as a pathogenic variant nor as a benign variant, to our knowledge. This variant is predicted to cause loss of normal protein function through protein truncation. The C1081X variant is not observed in large population cohorts (Lek et al., 2016). We interpret C1081X as a pathogenic variant.